The following is an entry in ClinVar:

ClinVar aggregate classification (germline): Benign/Likely benign. Review status: criteria provided, multiple submitters, no conflicts (2 of 4 stars). 3 submissions from 3 submitters: Benign (1); Likely benign (2). Last evaluated 2022-03-08.

Conditions:
Wolfram syndrome 1 (WFS1). Identifiers: Orphanet 3463, MedGen C4551693, MONDO:0009101, OMIM 222300.

Allele frequency attached by ClinVar (database versions not stated): gnomAD exomes below 0.00001 and 0.00001; TOPMed below 0.00001; ExAC 0.00001.
gnomAD v4.1: 17 of 1,611,302 alleles (0.0011%); highest among the groups gnomAD compares: South Asian, 0.0033%; no homozygotes.

Submissions (3):

Labcorp Genetics (formerly Invitae), Labcorp
Classification: Likely benign. Last evaluated: 2022-03-08. Review status: criteria provided, single submitter. Criteria: Invitae Variant Classification Sherloc (09022015). Collection method: clinical testing. Allele origin: germline.

GeneDx
Classification: Likely benign. Last evaluated: 2017-07-07. Review status: criteria provided, single submitter. Criteria: GeneDx Variant Classification (06012015). Collection method: clinical testing. Allele origin: germline. Affected: yes.
Comment: This variant is considered likely benign or benign based on one or more of the following criteria: it is a conservative change, it occurs at a poorly conserved position in the protein, it is predicted to be benign by multiple in silico algorithms, and/or has population frequency not consistent with disease.

Clinical Genomics, Uppaluri K&H Personalized Medicine Clinic
Classification: Benign for Wolfram syndrome 1. Review status: criteria provided, single submitter. Criteria: K & H Uppaluri Personalized Medicine Clinic Variant Classification & Assertion Criteria_Updated V.1. Collection method: research. Allele origin: unknown. Inheritance: Autosomal recessive inheritance.
Comment: Potent mutations in WFS1 gene are associated with Wolfram's syndrome, an autosomal recessive condition, which cause diabetes mellitus, diabetes insipidus, deafness and optic atrophy. However no sufficient evidence is found to ascertain the role of this particular variant rs768245959 in Wolfram's syndrome yet.

Literature cited by the submitters: PubMed 20738327 (cited by Clinical Genomics, Uppaluri K&H Personalized Medicine Clinic); PubMed 33879153 (cited by Clinical Genomics, Uppaluri K&H Personalized Medicine Clinic); PubMed 12955714 (cited by Clinical Genomics, Uppaluri K&H Personalized Medicine Clinic); PubMed 18060660 (cited by Clinical Genomics, Uppaluri K&H Personalized Medicine Clinic); PubMed 20301750 (cited by Clinical Genomics, Uppaluri K&H Personalized Medicine Clinic); PubMed 17603484 (cited by Clinical Genomics, Uppaluri K&H Personalized Medicine Clinic).

NM_006005.3(WFS1):c.1503C>T (p.Val501=)

Gene: WFS1 (wolframin ER transmembrane glycoprotein; plus strand). Cytogenetic location: 4p16.1.
Variant type: single nucleotide variant.
Coding change: c.1503C>T on transcript NM_006005.3 (MANE Select); coding-DNA position 1503, C replaced by T.
Protein change: p.Val501=; no amino-acid change (valine 501 retained).
Molecular consequence: synonymous variant.
Genome position (GRCh38, 1-based): chr4:6,301,298, C>T. VCF-style: chr4-6301298-C-T. GRCh37 (hg19) VCF-style: chr4-6303025-C-T.
Other names: c.1503C>T, p.Val501= (NM_001145853.1).
Identifiers: ClinVar variation 510597 (VCV000510597.9), dbSNP rs768245959, ClinGen allele CA2839381.